The following is an entry in ClinVar:

NM_016306.6(DNAJB11):c.324-1G>A

Gene: DNAJB11 (DnaJ heat shock protein family (Hsp40) member B11; plus strand). Cytogenetic location: 3q27.3.
Variant type: single nucleotide variant.
Coding change: c.324-1G>A on transcript NM_016306.6 (MANE Select); the canonical splice acceptor site of the intron before coding-DNA position 324, G replaced by A.
Molecular consequence: splice acceptor variant. On other transcripts: intron variant (1).
Genome position (GRCh38, 1-based): chr3:186,577,667, G>A. VCF-style: chr3-186577667-G-A. GRCh37 (hg19) VCF-style: chr3-186295456-G-A.
Other names: c.323+1730G>A (NM_001378451.1).
Identifiers: ClinVar variation 4879703 (VCV004879703.1).

ClinVar aggregate classification (germline): Likely pathogenic (1 of 4 stars; one submission).

Conditions:
Polycystic kidney disease 6 with or without polycystic liver disease. Also called: Autosomal Dominant Polycystic Kidney Disease-DNAJB11. Identifiers: MedGen C4748044, MONDO:0054842, OMIM 618061.

Submission:

Victorian Clinical Genetics Services, Murdoch Childrens Research Institute
Classification: Likely pathogenic for Polycystic kidney disease 6 with or without polycystic liver disease. Last evaluated: 2026-02-23. Review status: criteria provided, single submitter. Criteria: ACMG Guidelines, 2015. Collection method: clinical testing. Allele origin: germline. Affected: yes.
Comment: This variant is classified as Likely pathogenic. Evidence in support of pathogenic classification: Canonical splice site variant without proven consequence on splicing (no functional evidence available); Variant is absent from gnomAD (v2, v3 and v4); Another splice variant comparable to the one identified in this case has limited previous evidence for pathogenicity. c.324-1G>T has been classified as likely pathogenic by a clinical laboratory in ClinVar. - Abnormal splicing is predicted by in silico tool and affected nucleotide is highly conserved. Additional information: This variant is heterozygous; This gene is associated with autosomal dominant disease. However, there is emerging evidence of a recessive association (PMID: 33129895, 34177435); This variant has no previous evidence of pathogenicity; No published evidence of segregation with disease has been identified for this variant; No published functional evidence has been identified for this variant; Loss of function is a known mechanism of disease in this gene and is associated with polycystic kidney disease 6 with or without polycystic liver disease (MIM#618061); Inheritance information for this variant is not currently available in this individual.

Literature cited by the submitters: PubMed 34177435; PubMed 33129895.